The following is an entry in ClinVar:

NM_001696.4(ATP6V1E1):c.578C>G (p.Ser193Cys)

Gene: ATP6V1E1 (ATPase H+ transporting V1 subunit E1; minus strand). Cytogenetic location: 22q11.21.
Variant type: single nucleotide variant.
Coding change: c.578C>G on transcript NM_001696.4 (MANE Select); coding-DNA position 578, C replaced by G.
Protein change: p.Ser193Cys; replaces serine 193 with cysteine.
Molecular consequence: missense variant.
Genome position (GRCh38, 1-based): chr22:17,594,569, G>C on the plus strand (C>G on the coding strand, the complement: ATP6V1E1 is on the minus strand). VCF-style: chr22-17594569-G-C. GRCh37 (hg19) VCF-style: chr22-18077335-G-C.
Other names: c.512C>G, p.Ser171Cys (NM_001039366.1); c.488C>G, p.Ser163Cys (NM_001039367.1); short protein forms S163C, S171C, S193C.
Identifiers: ClinVar variation 1314350 (VCV001314350.3), dbSNP rs77950405, ClinGen allele CA10090034.

ClinVar aggregate classification (germline): Uncertain significance (1 of 4 stars; one submission).

Allele frequency attached by ClinVar (database versions not stated): gnomAD 0.00001 and 0.00002; gnomAD exomes 0.00001 and 0.00009; ExAC 0.00004; 1000 Genomes Project 30x 0.00031; 1000 Genomes Project 0.00040.
gnomAD v4.1: 132 of 1,595,964 alleles (0.0083%); highest among the groups gnomAD compares: East Asian, 0.29%; no homozygotes.

Submission:

GeneDx
Classification: Uncertain significance. Last evaluated: 2023-11-14. Review status: criteria provided, single submitter. Criteria: GeneDx Variant Classification Process June 2021. Collection method: clinical testing. Allele origin: germline. Affected: yes.
Comment: In silico analysis supports that this missense variant has a deleterious effect on protein structure/function; Has not been previously published as pathogenic or benign to our knowledge